The following is an entry in ClinVar:

ClinVar aggregate classification (germline): Likely benign (1 of 4 stars; one submission).

Allele frequency attached by ClinVar (database versions not stated): gnomAD exomes 0.00001; gnomAD 0.00005; TOPMed 0.00014; 1000 Genomes Project 30x 0.00016.
gnomAD v4.1: 14 of 1,179,432 alleles (0.0012%); highest among the groups gnomAD compares: Admixed American, 0.063%; no homozygotes.

Submission:

CeGaT Center for Human Genetics Tuebingen
Classification: Likely benign. Last evaluated: 2023-04-01. Review status: criteria provided, single submitter. Criteria: CeGaT Center For Human Genetics Tuebingen Variant Classification Criteria Version 2. Collection method: clinical testing. Allele origin: germline. Affected: yes. Observed: 1 variant allele.
Comment: UBN2: BP4, BP7

NM_173569.4(UBN2):c.222G>A (p.Gln74=)

Genes: UBN2 (ubinuclein 2; plus strand), LOC129999464 (ATAC-STARR-seq lymphoblastoid silent region 18693; plus strand). Cytogenetic location: 7q34.
Variant type: single nucleotide variant.
Coding change: c.222G>A on transcript NM_173569.4 (MANE Select); coding-DNA position 222, G replaced by A.
Protein change: p.Gln74=; no amino-acid change (glutamine 74 retained).
Molecular consequence: synonymous variant.
Genome position (GRCh38, 1-based): chr7:139,231,706, G>A. VCF-style: chr7-139231706-G-A. GRCh37 (hg19) VCF-style: chr7-138916452-G-A.
Identifiers: ClinVar variation 2658014 (VCV002658014.24), dbSNP rs918433504, ClinGen allele CA167191569.